The following is an entry in ClinVar:

ClinVar aggregate classification (germline): Uncertain significance (1 of 4 stars; one submission).

Conditions:
Fabry disease. Also called: ALPHA-GALACTOSIDASE A DEFICIENCY; ANDERSON-FABRY DISEASE; CERAMIDE TRIHEXOSIDASE DEFICIENCY; GLA DEFICIENCY; HEREDITARY DYSTOPIC LIPIDOSIS; Angiokeratoma corporis diffusum. Identifiers: Orphanet 324, MedGen C0002986, MONDO:0010526, OMIM 301500, HP:0001071. Disease mechanism: Fabry disease is due to inactivating mutations in the X-linked GLA gene resulting in deficiency of the enzyme Alpha Galactosidase-A., loss of function.

Submission:

Genomenon, Inc
Classification: Uncertain significance for Fabry disease. Last evaluated: 2026-09-08. Review status: criteria provided, single submitter. Criteria: Genomenon Sequence Variant Interpretation Standards - Updated. Collection method: curation. Allele origin: germline. Affected: yes.
Comment: GLA p.Asn278Lys (c.834T>A) is a missense variant that changes the amino acid at codon 278 from Asparagine to Lysine. This variant has been observed in at least one proband with clinical features consistent with Fabry disease (PMID:30587147). The variant was found to segregate with disease in at least one affected family (PMID:30587147). Functional or patient cell studies have been reported (PMID:30587147). It is absent or not present at a significant frequency in gnomAD. In conclusion, we classify GLA p.Asn278Lys (c.834T>A) as a variant of uncertain significance.

Literature cited by the submitters: PubMed 30587147.

NM_000169.3(GLA):c.834T>A (p.Asn278Lys)

Genes: GLA (galactosidase alpha; minus strand), RPL36A-HNRNPH2 (RPL36A-HNRNPH2 readthrough; plus strand). Cytogenetic location: Xq22.1.
Variant type: single nucleotide variant.
Coding change: c.834T>A on transcript NM_000169.3 (MANE Select); coding-DNA position 834, T replaced by A.
Protein change: p.Asn278Lys; replaces asparagine 278 with lysine.
Molecular consequence: missense variant. On other transcripts: non-coding transcript variant (3), intron variant (2).
Genome position (GRCh38, 1-based): chrX:101,398,535, A>T on the plus strand (T>A on the coding strand, the complement: GLA is on the minus strand). VCF-style: chrX-101398535-A-T. GRCh37 (hg19) VCF-style: chrX-100653523-A-T.
Other names: c.957T>A, p.Asn319Lys (NM_001406747.1); c.834T>A, p.Asn278Lys (NM_001406748.1); c.300+3078A>T (NM_001199973.2); c.177+6713A>T (NM_001199974.2); short protein forms N278K, N319K.
Identifiers: ClinVar variation 4087537 (VCV004087537.2), dbSNP rs782032720.